The following is an entry in ClinVar:

ClinVar aggregate classification (germline): Uncertain significance (1 of 4 stars; one submission).

Submission:

GeneDx
Classification: Uncertain significance. Last evaluated: 2024-07-08. Review status: criteria provided, single submitter. Criteria: GeneDx Variant Classification Process June 2021. Collection method: clinical testing. Allele origin: germline. Affected: yes.
Comment: Not observed at significant frequency in large population cohorts (gnomAD); In silico analysis supports that this missense variant has a deleterious effect on protein structure/function; Has not been previously published as pathogenic or benign to our knowledge

NM_003601.4(SMARCA5):c.2863C>G (p.Leu955Val)

Gene: SMARCA5 (SNF2 related chromatin remodeling ATPase 5; plus strand). Cytogenetic location: 4q31.21.
Variant type: single nucleotide variant.
Coding change: c.2863C>G on transcript NM_003601.4 (MANE Select); coding-DNA position 2863, C replaced by G.
Protein change: p.Leu955Val; replaces leucine 955 with valine.
Molecular consequence: missense variant.
Genome position (GRCh38, 1-based): chr4:143,548,018, C>G. VCF-style: chr4-143548018-C-G. GRCh37 (hg19) VCF-style: chr4-144469171-C-G.
Other names: short protein forms L955V.
Identifiers: ClinVar variation 3572640 (VCV003572640.1).